The following is an entry in ClinVar:

NM_032043.3(BRIP1):c.2089T>G (p.Ser697Ala)

Gene: BRIP1 (BRCA1 interacting DNA helicase 1; minus strand). Cytogenetic location: 17q23.2.
Variant type: single nucleotide variant.
Coding change: c.2089T>G on transcript NM_032043.3 (MANE Select); coding-DNA position 2089, T replaced by G.
Protein change: p.Ser697Ala; replaces serine 697 with alanine.
Molecular consequence: missense variant.
Genome position (GRCh38, 1-based): chr17:61,776,409, A>C on the plus strand (T>G on the coding strand, the complement: BRIP1 is on the minus strand). VCF-style: chr17-61776409-A-C. GRCh37 (hg19) VCF-style: chr17-59853770-A-C.
Other names: short protein forms S697A.
Identifiers: ClinVar variation 1785695 (VCV001785695.2), dbSNP rs1603328426, ClinGen allele CA400477991.

ClinVar aggregate classification (germline): Uncertain significance (1 of 4 stars; one submission).

Conditions:
Hereditary cancer-predisposing syndrome. Also called: Neoplastic Syndromes, Hereditary; Tumor predisposition; Hereditary Cancer Syndrome; Hereditary neoplastic syndrome. Identifiers: Orphanet 140162, MedGen C0027672, MeSH D009386, MONDO:0015356.

Submission:

Ambry Genetics
Classification: Uncertain significance for Hereditary cancer-predisposing syndrome. Last evaluated: 2020-09-28. Review status: criteria provided, single submitter. Criteria: Ambry Variant Classification Scheme 2023. Collection method: clinical testing. Allele origin: germline.
Comment: The p.S697A variant (also known as c.2089T>G), located in coding exon 13 of the BRIP1 gene, results from a T to G substitution at nucleotide position 2089. The serine at codon 697 is replaced by alanine, an amino acid with similar properties. This amino acid position is highly conserved in available vertebrate species. In addition, this alteration is predicted to be deleterious by in silico analysis. Since supporting evidence is limited at this time, the clinical significance of this alteration remains unclear.